The following is an entry in ClinVar:

NM_005045.4(RELN):c.7860C>T (p.Pro2620=)

Gene: RELN (reelin; minus strand). Cytogenetic location: 7q22.1.
Variant type: single nucleotide variant.
Coding change: c.7860C>T on transcript NM_005045.4 (MANE Select); coding-DNA position 7860, C replaced by T.
Protein change: p.Pro2620=; no amino-acid change (proline 2620 retained).
Molecular consequence: synonymous variant.
Genome position (GRCh38, 1-based): chr7:103,519,325, G>A on the plus strand (C>T on the coding strand, the complement: RELN is on the minus strand). VCF-style: chr7-103519325-G-A. GRCh37 (hg19) VCF-style: chr7-103159772-G-A.
Other names: c.7860C>T, p.Pro2620= (NM_173054.3); c.7860C>T (NM_005045.3).
Identifiers: ClinVar variation 1079211 (VCV001079211.13), dbSNP rs116838125, ClinGen allele CA4420647.
Genomic context (GRCh38, chr7:103,519,325, plus strand): 5'-TGCTGGTAGCAATCTCTGCTCGATGTACTCGTTATTAGATATCAAATCGAATACAAACCC[G>A]GGCTTACTGTACTGGTCATAGAAAATCTCCATGAGCAGGTTCCAGGTAATGCCTCCATTG-3'
Protein context (NP_005036.2, residues 2610-2630): MEIFYDQYSK[Pro2620=]GFVNILLPPD

ClinVar aggregate classification (germline): Likely benign. Review status: criteria provided, multiple submitters, no conflicts (2 of 4 stars). 3 submissions from 3 submitters: Likely benign (2). 1 of the submissions does not count toward it. Last evaluated 2025-11-17.

Conditions:
Norman-Roberts syndrome (LIS2). Also called: Lissencephaly 2 (Norman-Roberts type). Identifiers: Orphanet 89844, MedGen C0796089, MONDO:0009760, OMIM 257320.
Familial temporal lobe epilepsy 7. Identifiers: Orphanet 101046, MedGen C4225327, MONDO:0014639, OMIM 616436.
RELN-related disorder. Also called: RELN-related condition.

Allele frequency attached by ClinVar (database versions not stated): ExAC 0.00004; ESP Exome Variant Server 0.00008; TOPMed 0.00008; gnomAD 0.00013; 1000 Genomes Project 30x 0.00016; 1000 Genomes Project 0.00020.
gnomAD v4.1: 57 of 1,611,418 alleles (0.0035%); highest among the groups gnomAD compares: African/African-American, 0.045%; no homozygotes.

Submissions (3):

Labcorp Genetics (formerly Invitae), Labcorp
Classification: Likely benign for Familial temporal lobe epilepsy 7; Norman-Roberts syndrome. Last evaluated: 2025-11-17. Review status: criteria provided, single submitter. Criteria: Invitae Variant Classification Sherloc (09022015). Collection method: clinical testing. Allele origin: germline.

Blueprint Genetics
Classification: Likely benign. Last evaluated: 2023-02-13. Review status: criteria provided, single submitter. Criteria: ACMG Guidelines, 2015. Collection method: clinical testing. Allele origin: germline.

PreventionGenetics, part of Exact Sciences
Classification: Likely benign for RELN-related condition. Last evaluated: 2019-11-22. Review status: no assertion criteria provided. Collection method: clinical testing. Allele origin: germline. Not counted in ClinVar's aggregate classification.
Comment: This variant is classified as likely benign based on ACMG/AMP sequence variant interpretation guidelines (Richards et al. 2015 PMID: 25741868, with internal and published modifications).